The following is an entry in ClinVar:

NM_015338.6(ASXL1):c.1751T>C (p.Val584Ala)

Gene: ASXL1 (ASXL transcriptional regulator 1; plus strand). Cytogenetic location: 20q11.21.
Variant type: single nucleotide variant.
Coding change: c.1751T>C on transcript NM_015338.6 (MANE Select); coding-DNA position 1751, T replaced by C.
Protein change: p.Val584Ala; replaces valine 584 with alanine.
Molecular consequence: missense variant.
Genome position (GRCh38, 1-based): chr20:32,434,463, T>C. VCF-style: chr20-32434463-T-C. GRCh37 (hg19) VCF-style: chr20-31022266-T-C.
Other names: c.1568T>C, p.Val523Ala (NM_001363734.1); short protein forms V523A, V584A.
Identifiers: ClinVar variation 1319017 (VCV001319017.2), dbSNP rs2145356379, ClinGen allele CA408557851.

ClinVar aggregate classification (germline): Uncertain significance (1 of 4 stars; one submission).

Submission:

GeneDx
Classification: Uncertain significance. Last evaluated: 2021-01-11. Review status: criteria provided, single submitter. Criteria: GeneDx Variant Classification Process June 2021. Collection method: clinical testing. Allele origin: germline. Affected: yes.
Comment: Has not been previously published as pathogenic or benign to our knowledge; Not observed in large population cohorts (Lek et al., 2016); In silico analysis supports that this missense variant has a deleterious effect on protein structure/function